The following is an entry in ClinVar:

NM_017849.4(TMEM127):c.214T>A (p.Leu72Met)

Gene: TMEM127 (transmembrane protein 127; minus strand). Cytogenetic location: 2q11.2.
Variant type: single nucleotide variant.
Coding change: c.214T>A on transcript NM_017849.4 (MANE Select); coding-DNA position 214, T replaced by A.
Protein change: p.Leu72Met; replaces leucine 72 with methionine.
Molecular consequence: missense variant.
Genome position (GRCh38, 1-based): chr2:96,265,168, A>T on the plus strand (T>A on the coding strand, the complement: TMEM127 is on the minus strand). VCF-style: chr2-96265168-A-T. GRCh37 (hg19) VCF-style: chr2-96930906-A-T.
Other names: c.214T>A, p.Leu72Met (NM_001193304.3); short protein forms L72M.
Identifiers: ClinVar variation 1786730 (VCV001786730.4), dbSNP rs1573977624, ClinGen allele CA347655885.

ClinVar aggregate classification (germline): Uncertain significance. Review status: criteria provided, multiple submitters, no conflicts (2 of 4 stars). 2 submissions from 2 submitters: Uncertain significance (2). Last evaluated 2026-01-26.

Conditions:
Hereditary pheochromocytoma and paraganglioma. Also called: Hereditary paragangliomas and pheochromocytomas; Hereditary Paraganglioma-Pheochromocytoma Syndromes; Hereditary pheochromocytoma-paraganglioma. Identifiers: Orphanet 29072, MedGen C4274332, MONDO:0017366.
Hereditary cancer-predisposing syndrome. Also called: Tumor predisposition; Hereditary Cancer Syndrome; Hereditary neoplastic syndrome; Neoplastic Syndromes, Hereditary. Identifiers: Orphanet 140162, MedGen C0027672, MeSH D009386, MONDO:0015356.

Submissions (2):

Labcorp Genetics (formerly Invitae), Labcorp
Classification: Uncertain significance for Hereditary pheochromocytoma and paraganglioma. Last evaluated: 2026-01-26. Review status: criteria provided, single submitter. Criteria: Invitae Variant Classification Sherloc (09022015). Collection method: clinical testing. Allele origin: germline.
Comment: This sequence change replaces leucine, which is neutral and non-polar, with methionine, which is neutral and non-polar, at codon 72 of the TMEM127 protein (p.Leu72Met). This variant is not present in population databases (gnomAD no frequency). This variant has not been reported in the literature in individuals affected with TMEM127-related conditions. ClinVar contains an entry for this variant (Variation ID: 1786730). An algorithm developed to predict the effect of missense changes on protein structure and function (PolyPhen-2) suggests that this variant is likely to be disruptive. In summary, the available evidence is currently insufficient to determine the role of this variant in disease. Therefore, it has been classified as a Variant of Uncertain Significance.

Ambry Genetics
Classification: Uncertain significance for Hereditary cancer-predisposing syndrome. Last evaluated: 2025-08-10. Review status: criteria provided, single submitter. Criteria: Ambry Variant Classification Scheme 2023. Collection method: clinical testing. Allele origin: germline.
Comment: The p.L72M variant (also known as c.214T>A), located in coding exon 1 of the TMEM127 gene, results from a T to A substitution at nucleotide position 214. The leucine at codon 72 is replaced by methionine, an amino acid with highly similar properties. This amino acid position is conserved. In addition, the in silico prediction for this alteration is inconclusive. Since supporting evidence is limited at this time, the clinical significance of this alteration remains unclear.